The following is an entry in ClinVar:

NM_001006658.3(CR2):c.1191del (p.Thr398fs)

Genes: CR2 (complement C3d receptor 2; plus strand), LOC126805994 (BRD4-independent group 4 enhancer GRCh37_chr1:207642622-207643821; plus strand). Cytogenetic location: 1q32.2.
Variant type: Deletion.
Coding change: c.1191del on transcript NM_001006658.3 (MANE Select); coding-DNA position 1191, one base deleted (C; older notation c.1191delC).
Protein change: p.Thr398fs; shifts the reading frame from threonine 398.
Molecular consequence: frameshift variant.
Genome position (GRCh38, 1-based): chr1:207,470,068, C deleted. VCF-style (leftmost placement, unchanged base first): chr1-207470067-GC-G. GRCh37 (hg19) VCF-style: chr1-207643412-GC-G.
Other names: c.1191del, p.Thr398fs (NM_001877.5); short protein forms T398fs.
Identifiers: ClinVar variation 1018003 (VCV001018003.9), dbSNP rs1658223688, ClinGen allele CA2483410715.
Genomic context (GRCh38, chr1:207,470,067, plus strand): 5'-TTGCTTGCATGTTTGGCTTCACCTTGAAGGGCAGCAAGCAAATCCGATGCAATGCCCAAG[GC>G]ACATGGGAGCCATCTGCACCAGTCTGTGAAAAGGGTGAGTGTTCCGGTACTCAGAAAAGG-3'

ClinVar aggregate classification (germline): Pathogenic (1 of 4 stars; one submission).

Conditions:
Immunodeficiency, common variable, 7. Identifiers: Orphanet 1572, Orphanet 696894, MedGen C3542922, MONDO:0013862, OMIM 614699.

Submission:

Labcorp Genetics (formerly Invitae), Labcorp
Classification: Pathogenic for Immunodeficiency, common variable, 7. Last evaluated: 2022-09-19. Review status: criteria provided, single submitter. Criteria: Invitae Variant Classification Sherloc (09022015). Collection method: clinical testing. Allele origin: germline.
Comment: ClinVar contains an entry for this variant (Variation ID: 1018003). This variant has not been reported in the literature in individuals affected with CR2-related conditions. This variant is not present in population databases (gnomAD no frequency). This sequence change creates a premature translational stop signal (p.Thr398Hisfs*38) in the CR2 gene. It is expected to result in an absent or disrupted protein product. Loss-of-function variants in CR2 are known to be pathogenic (PMID: 26325596, 28499783). For these reasons, this variant has been classified as Pathogenic.

Literature cited by the submitters: PubMed 26325596; PubMed 28499783.